The following is an entry in ClinVar:

NM_172107.4(KCNQ2):c.819C>G (p.Ile273Met)

Gene: KCNQ2 (potassium voltage-gated channel subfamily Q member 2; minus strand). Cytogenetic location: 20q13.33.
Variant type: single nucleotide variant.
Coding change: c.819C>G on transcript NM_172107.4 (MANE Select); coding-DNA position 819, C replaced by G.
Protein change: p.Ile273Met; replaces isoleucine 273 with methionine.
Molecular consequence: missense variant.
Genome position (GRCh38, 1-based): chr20:63,439,706, G>C on the plus strand (C>G on the coding strand, the complement: KCNQ2 is on the minus strand). VCF-style: chr20-63439706-G-C. GRCh37 (hg19) VCF-style: chr20-62071059-G-C.
Other names: c.819C>G, p.Ile273Met (NM_004518.6, NM_172106.3, NM_172108.5 and 1 more transcripts); short protein forms I273M.
Identifiers: ClinVar variation 422481 (VCV000422481.5), dbSNP rs771282785, ClinGen allele CA16620972.

ClinVar aggregate classification (germline): Pathogenic/Likely pathogenic. Review status: criteria provided, multiple submitters, no conflicts (2 of 4 stars). 2 submissions from 2 submitters: Pathogenic (1); Likely pathogenic (1). Last evaluated 2025-03-05.

Conditions:
Developmental and epileptic encephalopathy, 7 (DEE7). Also called: KCNQ2-Related Neonatal-Onset Developmental and Epileptic Encephalopathy (NEO-DEE); Early infantile epileptic encephalopathy 7; KCNQ2-Related Neonatal Epileptic Encephalopathy. Identifiers: Orphanet 439218, MedGen C3150986, MONDO:0013387, OMIM 613720.

Submissions (2):

Variantyx, Inc.
Classification: Likely pathogenic for Developmental and epileptic encephalopathy, 7. Last evaluated: 2025-03-05. Review status: criteria provided, single submitter. Criteria: Variantyx Assertion Criteria 2022. Collection method: clinical testing. Allele origin: de novo. Inheritance: Autosomal dominant inheritance. Affected: yes.
Comment: This is a nonsynonymous variant in the KCNQ2 gene (OMIM: 602235). Pathogenic variants in this gene have been associated with autosomal dominant developmental and epileptic encephalopathy 7. The alteration lies within a known hotspot for pathogenic variants or a well-established critical functional domain of the KCNQ2 protein (PMID: 27602407) (PM1), and multiple computational algorithms predict a deleterious effect for this variant (REVEL score: 0.824) (PP3). This variant is absent from control populations (PM2). Based on the current evidence, this variant is classified as likely pathogenic for autosomal dominant developmental and epileptic encephalopathy 7.

GeneDx
Classification: Pathogenic. Last evaluated: 2024-11-06. Review status: criteria provided, single submitter. Criteria: GeneDx Variant Classification Process June 2021. Collection method: clinical testing. Allele origin: germline. Affected: yes.
Comment: Not observed at significant frequency in large population cohorts (gnomAD); In silico analysis supports that this missense variant has a deleterious effect on protein structure/function; Has not been previously published as pathogenic or benign to our knowledge; This variant is associated with the following publications: (PMID: 27602407)

Literature cited by the submitters: PubMed 27602407 (cited by Variantyx, Inc.).